The following is an entry in ClinVar:

ClinVar aggregate classification (germline): Benign/Likely benign. Review status: criteria provided, multiple submitters, no conflicts (2 of 4 stars). 8 submissions from 8 submitters: Benign (3); Likely benign (3). 2 of the submissions do not count toward it. Last evaluated 2026-02-01.

Conditions:
ADAMTS2-related disorder. Also called: ADAMTS2-related condition.
Ehlers-Danlos syndrome, dermatosparaxis type. Also called: EDS VIIC; Dermatosparaxis; Ehlers-Danlos syndrome, type VII, autosomal recessive. Identifiers: Orphanet 1901, MedGen C2700425, MONDO:0009161, OMIM 225410.
Ehlers-Danlos syndrome (EDS). Identifiers: Orphanet 98249, MedGen C0013720, MONDO:0020066.

Allele frequency attached by ClinVar (database versions not stated): 1000 Genomes Project 30x 0.00593; 1000 Genomes Project 0.00619; ESP Exome Variant Server 0.00038; gnomAD 0.00048 and 0.00086; TOPMed 0.00068; gnomAD exomes 0.00111 and 0.00202; ExAC 0.00226.
gnomAD v4.1: 1,755 of 1,613,770 alleles (0.11%); highest among the groups gnomAD compares: East Asian, 0.98%; 14 homozygotes.

Submissions (8):

Labcorp Genetics (formerly Invitae), Labcorp
Classification: Benign for Ehlers-Danlos syndrome, dermatosparaxis type. Last evaluated: 2026-02-01. Review status: criteria provided, single submitter. Criteria: Invitae Variant Classification Sherloc (09022015). Collection method: clinical testing. Allele origin: germline.

Women's Health and Genetics/Laboratory Corporation of America, LabCorp
Classification: Benign. Last evaluated: 2026-01-30. Review status: criteria provided, single submitter. Criteria: LabCorp Variant Classification Summary - May 2015. Collection method: clinical testing. Allele origin: germline.
Comment: Variant summary: ADAMTS2 c.764G>A (p.Arg255Gln) results in a conservative amino acid change in the encoded protein sequence. Algorithms developed to predict the effect of missense changes on protein structure and function all suggest that this variant is likely to be tolerated. The variant allele was found at a frequency of 0.0011 in 1606796 control chromosomes in the gnomAD database, including 14 homozygotes and was reported predominantly within the East Asian and South Asian subpopulations at frequencies of 0.0098 and 0.0074, respectively. The observed variant frequencies within control individuals exceed the estimated maximal expected allele frequency for disease-causing variants in ADAMTS2. To our knowledge, no occurrence of c.764G>A in individuals affected with ADAMTS2-related conditions and no experimental evidence demonstrating its impact on protein function have been reported. ClinVar contains an entry for this variant (Variation ID: 353132). Based on the evidence outlined above, the variant was classified as benign.

CeGaT Center for Human Genetics Tuebingen
Classification: Likely benign. Last evaluated: 2025-03-01. Review status: criteria provided, single submitter. Criteria: CeGaT Center For Human Genetics Tuebingen Variant Classification Criteria Version 2. Collection method: clinical testing. Allele origin: germline. Affected: yes. Observed: 4 variant alleles.
Comment: ADAMTS2: BP4, BS2

Genome Diagnostics Laboratory, The Hospital for Sick Children
Classification: Likely benign for Ehlers-Danlos syndrome. Last evaluated: 2020-11-17. Review status: criteria provided, single submitter. Criteria: ACMG Guidelines, 2015. Collection method: clinical testing. Allele origin: germline.

GeneDx
Classification: Benign. Last evaluated: 2020-11-02. Review status: criteria provided, single submitter. Criteria: GeneDx Variant Classification Process June 2021. Collection method: clinical testing. Allele origin: germline. Affected: yes.

Illumina Laboratory Services, Illumina
Classification: Likely benign for Ehlers-Danlos syndrome, dermatosparaxis type. Last evaluated: 2018-01-13. Review status: criteria provided, single submitter. Criteria: ICSL Variant Classification Criteria 13 December 2019. Collection method: clinical testing. Allele origin: germline.
Comment: This variant was observed in the ICSL laboratory as part of a predisposition screen in an ostensibly healthy population. It had not been previously curated by ICSL or reported in the Human Gene Mutation Database (HGMD: prior to June 1st, 2018), and was therefore a candidate for classification through an automated scoring system. Utilizing variant allele frequency, disease prevalence and penetrance estimates, and inheritance mode, an automated score was calculated to assess if this variant is too frequent to cause the disease. Based on the score and internal cut-off values, a variant classified as likely benign is not then subjected to further curation. The score for this variant resulted in a classification of likely benign for this disease.

Natera, Inc.
Classification: Benign for Ehlers-Danlos syndrome type VIIC. Last evaluated: 2019-10-21. Review status: no assertion criteria provided. Collection method: clinical testing. Allele origin: germline. Not counted in ClinVar's aggregate classification.

PreventionGenetics, part of Exact Sciences
Classification: Benign for ADAMTS2-related condition. Last evaluated: 2019-07-17. Review status: no assertion criteria provided. Collection method: clinical testing. Allele origin: germline. Not counted in ClinVar's aggregate classification.
Comment: This variant is classified as benign based on ACMG/AMP sequence variant interpretation guidelines (Richards et al. 2015 PMID: 25741868, with internal and published modifications).

NM_014244.5(ADAMTS2):c.764G>A (p.Arg255Gln)

Gene: ADAMTS2 (ADAM metallopeptidase with thrombospondin type 1 motif 2; minus strand). Cytogenetic location: 5q35.3.
Variant type: single nucleotide variant.
Coding change: c.764G>A on transcript NM_014244.5 (MANE Select); coding-DNA position 764, G replaced by A.
Protein change: p.Arg255Gln; replaces arginine 255 with glutamine.
Molecular consequence: missense variant.
Genome position (GRCh38, 1-based): chr5:179,207,640, C>T on the plus strand (G>A on the coding strand, the complement: ADAMTS2 is on the minus strand). VCF-style: chr5-179207640-C-T. GRCh37 (hg19) VCF-style: chr5-178634641-C-T.
Other names: c.764G>A, p.Arg255Gln (NM_021599.4); short protein forms R255Q.
Identifiers: ClinVar variation 353132 (VCV000353132.67), dbSNP rs117222015, ClinGen allele CA3596168.
Genomic context (GRCh38, chr5:179,207,640, plus strand): 5'-TCCACGCCCAGCAGGACCTCGATGTTGTAGTCATCGTCCGCAGCATGCCTGCGTGCCCTC[C>T]GCCTCGAGCTGTTGGCGTGCTCCTCTAGGACGCCCAGGGCGCGGCTGAGGCTGTCCAGGC-3'
Protein context (NP_055059.2, residues 245-265): VLEEHANSSR[Arg255Gln]RARRHAADDD